The following is an entry in ClinVar:

ClinVar aggregate classification (germline): Likely pathogenic (1 of 4 stars; one submission).

Conditions:
Familial adenomatous polyposis 1 (FAP1). Also called: POLYPOSIS, ADENOMATOUS INTESTINAL; FAMILIAL ADENOMATOUS POLYPOSIS 1, ATTENUATED. Identifiers: MedGen C2713442, MONDO:0021056, OMIM 175100. Disease mechanism: loss of function.

Submission:

Human Genetics Bochum, Ruhr University Bochum
Classification: Likely pathogenic for Familial adenomatous polyposis 1. Last evaluated: 2022-05-10. Review status: criteria provided, single submitter. Criteria: ACMG Guidelines, 2015. Collection method: clinical testing. Allele origin: germline. Affected: yes.
Comment: ACMG criteria used to clasify this variant: PVS1, PM2

NM_000455.5(STK11):c.779del (p.Ile260fs)

Gene: STK11 (serine/threonine kinase 11; plus strand). Cytogenetic location: 19p13.3.
Variant type: Deletion.
Coding change: c.779del on transcript NM_000455.5 (MANE Select); coding-DNA position 779, one base deleted (T; older notation c.779delT).
Protein change: p.Ile260fs; shifts the reading frame from isoleucine 260.
Molecular consequence: frameshift variant.
Genome position (GRCh38, 1-based): chr19:1,221,257, T deleted. VCF-style (leftmost placement, unchanged base first): chr19-1221256-AT-A. GRCh37 (hg19) VCF-style: chr19-1221255-AT-A.
Other names: short protein forms I260fs.
Identifiers: ClinVar variation 1696823 (VCV001696823.1), dbSNP rs2145426900, ClinGen allele CA2580096107.